The following is an entry in ClinVar:

ClinVar aggregate classification (germline): Likely benign (1 of 4 stars; one submission).

Allele frequency attached by ClinVar (database versions not stated): gnomAD exomes 0.00001; ExAC 0.00002.
gnomAD v4.1: 4 of 1,614,174 alleles (0.00025%); highest among the groups gnomAD compares: Non-Finnish European, 0.00025%; no homozygotes.

Submission:

CeGaT Center for Human Genetics Tuebingen
Classification: Likely benign. Last evaluated: 2022-06-01. Review status: criteria provided, single submitter. Criteria: CeGaT Center For Human Genetics Tuebingen Variant Classification Criteria Version 2. Collection method: clinical testing. Allele origin: germline. Affected: yes. Observed: 1 variant allele.
Comment: ALOX15: BP4, BP7

NM_001140.5(ALOX15):c.471A>G (p.Leu157=)

Genes: ALOX15 (arachidonate 15-lipoxygenase; minus strand), LOC126862468 (BRD4-independent group 4 enhancer GRCh37_chr17:4541217-4542416; plus strand). Cytogenetic location: 17p13.2.
Variant type: single nucleotide variant.
Coding change: c.471A>G on transcript NM_001140.5 (MANE Select); coding-DNA position 471, A replaced by G.
Protein change: p.Leu157=; no amino-acid change (leucine 157 retained).
Molecular consequence: synonymous variant.
Genome position (GRCh38, 1-based): chr17:4,638,921, T>C on the plus strand (A>G on the coding strand, the complement: ALOX15 is on the minus strand). VCF-style: chr17-4638921-T-C. GRCh37 (hg19) VCF-style: chr17-4542216-T-C.
Identifiers: ClinVar variation 2647266 (VCV002647266.24), dbSNP rs762581638, ClinGen allele CA8307157.